The following is an entry in ClinVar:

ClinVar aggregate classification (germline): Uncertain significance (1 of 4 stars; one submission).

Conditions:
ROBO3-related disorder. Also called: ROBO3-related condition.

gnomAD v4.1: 37 of 1,608,458 alleles (0.0023%); highest among the groups gnomAD compares: Non-Finnish European, 0.0029%; no homozygotes.

Submission:

PreventionGenetics, part of Exact Sciences
Classification: Uncertain significance for ROBO3-related condition. Last evaluated: 2025-08-30. Review status: criteria provided, single submitter. Criteria: ACMG Guidelines, 2015. Collection method: clinical testing. Allele origin: germline.
Comment: The ROBO3 c.3683C>A variant is predicted to result in the amino acid substitution p.Pro1228Gln. To our knowledge, this variant has not been reported in the literature. This variant is reported in 0.0032% of alleles in individuals of European (Non-Finnish) descent in gnomAD. At this time, the clinical significance of this variant is uncertain due to the absence of conclusive functional and genetic evidence.

NM_022370.4(ROBO3):c.3683C>A (p.Pro1228Gln)

Gene: ROBO3 (roundabout guidance receptor 3; plus strand). Cytogenetic location: 11q24.2.
Variant type: single nucleotide variant.
Coding change: c.3683C>A on transcript NM_022370.4 (MANE Select); coding-DNA position 3683, C replaced by A.
Protein change: p.Pro1228Gln; replaces proline 1228 with glutamine.
Molecular consequence: missense variant. On other transcripts: non-coding transcript variant (7).
Genome position (GRCh38, 1-based): chr11:124,879,339, C>A. VCF-style: chr11-124879339-C-A. GRCh37 (hg19) VCF-style: chr11-124749235-C-A.
Other names: c.830C>A, p.Pro277Gln (NM_001370356.1, NM_001370357.1, NM_001370358.1 and 2 more transcripts); c.635C>A, p.Pro212Gln (NM_001370364.1, NM_001370366.1); short protein forms P1228Q, P212Q, P277Q.
Identifiers: ClinVar variation 4978780 (VCV004978780.1).